The following is an entry in ClinVar:

ClinVar aggregate classification (germline): Uncertain significance. Review status: criteria provided, multiple submitters, no conflicts (2 of 4 stars). 2 submissions from 2 submitters: Uncertain significance (2). Last evaluated 2025-05-06.

Conditions:
POLD1-related polyposis and colorectal cancer syndrome (CRCS10). Also called: Colorectal cancer, susceptibility to, 10; Colorectal cancer 10; COLORECTAL CANCER, SUSCEPTIBILITY TO, ON CHROMOSOME 19q. Identifiers: Orphanet 220460, MedGen C2675481, MONDO:0012953, OMIM 612591.
Hereditary cancer-predisposing syndrome. Also called: Tumor predisposition; Hereditary Cancer Syndrome; Hereditary neoplastic syndrome; Neoplastic Syndromes, Hereditary. Identifiers: Orphanet 140162, MedGen C0027672, MeSH D009386, MONDO:0015356.

Submissions (2):

Ambry Genetics
Classification: Uncertain significance for Hereditary cancer-predisposing syndrome. Last evaluated: 2025-05-06. Review status: criteria provided, single submitter. Criteria: Ambry Variant Classification Scheme 2023. Collection method: clinical testing. Allele origin: germline.
Comment: The p.A891P variant (also known as c.2671G>C), located in coding exon 20 of the POLD1 gene, results from a G to C substitution at nucleotide position 2671. The alanine at codon 891 is replaced by proline, an amino acid with highly similar properties. This amino acid position is conserved. In addition, this alteration is predicted to be tolerated by in silico analysis. Since supporting evidence is limited at this time, the clinical significance of this alteration remains unclear.

Labcorp Genetics (formerly Invitae), Labcorp
Classification: Uncertain significance for POLD1-related polyposis and colorectal cancer syndrome. Last evaluated: 2021-01-08. Review status: criteria provided, single submitter. Criteria: Invitae Variant Classification Sherloc (09022015). Collection method: clinical testing. Allele origin: germline.
Comment: This sequence change replaces alanine with proline at codon 891 of the POLD1 protein (p.Ala891Pro). The alanine residue is moderately conserved and there is a small physicochemical difference between alanine and proline. This variant is not present in population databases (ExAC no frequency). This variant has not been reported in the literature in individuals with POLD1-related conditions. Algorithms developed to predict the effect of missense changes on protein structure and function are either unavailable or do not agree on the potential impact of this missense change (SIFT: "Deleterious"; PolyPhen-2: "Probably Damaging"; Align-GVGD: "Class C0"). In summary, the available evidence is currently insufficient to determine the role of this variant in disease. Therefore, it has been classified as a Variant of Uncertain Significance.

NM_002691.4(POLD1):c.2671G>C (p.Ala891Pro)

Gene: POLD1 (DNA polymerase delta 1, catalytic subunit; plus strand). Cytogenetic location: 19q13.33.
Variant type: single nucleotide variant.
Coding change: c.2671G>C on transcript NM_002691.4 (MANE Select); coding-DNA position 2671, G replaced by C.
Protein change: p.Ala891Pro; replaces alanine 891 with proline.
Molecular consequence: missense variant. On other transcripts: non-coding transcript variant (1).
Genome position (GRCh38, 1-based): chr19:50,415,544, G>C. VCF-style: chr19-50415544-G-C. GRCh37 (hg19) VCF-style: chr19-50918801-G-C.
Other names: c.2671G>C, p.Ala891Pro (NM_001256849.1); c.2749G>C, p.Ala917Pro (NM_001308632.1); short protein forms A891P, A917P.
Identifiers: ClinVar variation 1420177 (VCV001420177.12), dbSNP rs1601243345, ClinGen allele CA406985592.